The following is an entry in ClinVar:

NM_001312673.2(PCYT1A):c.1030C>T (p.Pro344Ser)

Gene: PCYT1A (phosphate cytidylyltransferase 1A, choline; minus strand). Cytogenetic location: 3q29.
Variant type: single nucleotide variant.
Coding change: c.1030C>T on transcript NM_001312673.2 (MANE Select); coding-DNA position 1030, C replaced by T.
Protein change: p.Pro344Ser; replaces proline 344 with serine.
Molecular consequence: missense variant.
Genome position (GRCh38, 1-based): chr3:196,238,762, G>A on the plus strand (C>T on the coding strand, the complement: PCYT1A is on the minus strand). VCF-style: chr3-196238762-G-A. GRCh37 (hg19) VCF-style: chr3-195965633-G-A.
Other names: c.1030C>T, p.Pro344Ser (NM_005017.4); short protein forms P344S.
Identifiers: ClinVar variation 1046267 (VCV001046267.3), dbSNP rs1724255459, ClinGen allele CA355607817.

ClinVar aggregate classification (germline): Uncertain significance. Review status: criteria provided, multiple submitters, no conflicts (2 of 4 stars). 2 submissions from 2 submitters: Uncertain significance (2). Last evaluated 2021-09-26.

Allele frequency attached by ClinVar (database versions not stated): gnomAD exomes below 0.00001.
gnomAD v4.1: 4 of 1,591,730 alleles (0.00025%); highest among the groups gnomAD compares: Middle Eastern, 0.017%; no homozygotes.

Submissions (2):

Blueprint Genetics
Classification: Uncertain significance. Last evaluated: 2021-09-26. Review status: criteria provided, single submitter. Criteria: ACMG Guidelines, 2015. Collection method: clinical testing. Allele origin: germline.

Labcorp Genetics (formerly Invitae), Labcorp
Classification: Uncertain significance. Last evaluated: 2021-08-30. Review status: criteria provided, single submitter. Criteria: Invitae Variant Classification Sherloc (09022015). Collection method: clinical testing. Allele origin: germline.
Comment: This sequence change replaces proline with serine at codon 344 of the PCYT1A protein (p.Pro344Ser). The proline residue is moderately conserved and there is a moderate physicochemical difference between proline and serine. This variant is not present in population databases (ExAC no frequency). This variant has not been reported in the literature in individuals affected with PCYT1A-related conditions. Algorithms developed to predict the effect of missense changes on protein structure and function (SIFT, PolyPhen-2, Align-GVGD) all suggest that this variant is likely to be tolerated. In summary, the available evidence is currently insufficient to determine the role of this variant in disease. Therefore, it has been classified as a Variant of Uncertain Significance.